The following is an entry in ClinVar:

NM_032271.3(TRAF7):c.1229del (p.Leu410fs)

Gene: TRAF7 (TNF receptor associated factor 7; plus strand). Cytogenetic location: 16p13.3.
Variant type: Deletion.
Coding change: c.1229del on transcript NM_032271.3 (MANE Select); coding-DNA position 1229, one base deleted (T; older notation c.1229delT).
Protein change: p.Leu410fs; shifts the reading frame from leucine 410.
Molecular consequence: frameshift variant.
Genome position (GRCh38, 1-based): chr16:2,174,014, T deleted. VCF-style (leftmost placement, unchanged base first): chr16-2174013-CT-C. GRCh37 (hg19) VCF-style: chr16-2224014-CT-C.
Other names: short protein forms L410fs.
Identifiers: ClinVar variation 3365485 (VCV003365485.1).

ClinVar aggregate classification (germline): Uncertain significance (1 of 4 stars; one submission).

Submission:

GeneDx
Classification: Uncertain significance. Last evaluated: 2023-12-12. Review status: criteria provided, single submitter. Criteria: GeneDx Variant Classification Process June 2021. Collection method: clinical testing. Allele origin: germline. Affected: yes.
Comment: Has not been previously published as pathogenic or benign to our knowledge; Frameshift variant predicted to result in protein truncation or nonsense mediated decay in a gene for which loss-of-function is not an established mechanism of disease; Not observed at significant frequency in large population cohorts (gnomAD)